The following is an entry in ClinVar:

NM_020964.3(EPG5):c.6865C>T (p.Arg2289Trp)

Gene: EPG5 (ectopic P-granules 5 autophagy tethering factor; minus strand). Cytogenetic location: 18q12.3.
Variant type: single nucleotide variant.
Coding change: c.6865C>T on transcript NM_020964.3 (MANE Select); coding-DNA position 6865, C replaced by T.
Protein change: p.Arg2289Trp; replaces arginine 2289 with tryptophan.
Molecular consequence: missense variant.
Genome position (GRCh38, 1-based): chr18:45,860,248, G>A on the plus strand (C>T on the coding strand, the complement: EPG5 is on the minus strand). VCF-style: chr18-45860248-G-A. GRCh37 (hg19) VCF-style: chr18-43440213-G-A.
Other names: c.6865C>T, p.Arg2289Trp (NM_001410858.1); c.6862C>T, p.Arg2288Trp (NM_001410859.1); short protein forms R2288W, R2289W.
Identifiers: ClinVar variation 2065165 (VCV002065165.1), dbSNP rs532561653, ClinGen allele CA8948127.
Genomic context (GRCh38, chr18:45,860,248, plus strand): 5'-AAAGGGGCAGCACCACCAGCCCATGCATTTTTTGGCCAATCCAGGTCCGGATACTGCCCC[G>A]AAGGAACTCTGCTGTTGGAATAGTCGCGTTGTTCATCATCATCAGGACTTCCATAAAGAG-3'
Protein context (NP_066015.2, residues 2279-2299): NATIPTAEFL[Arg2289Trp]GSIRTWIGQK

ClinVar aggregate classification (germline): Uncertain significance (1 of 4 stars; one submission).

Conditions:
Vici syndrome (VICIS). Identifiers: Orphanet 1493, MedGen C1855772, MONDO:0009452, OMIM 242840.

Allele frequency attached by ClinVar (database versions not stated): gnomAD exomes below 0.00001; TOPMed below 0.00001; ExAC 0.00001; gnomAD 0.00002; 1000 Genomes Project 0.00020; 1000 Genomes Project 30x 0.00031.
gnomAD v4.1: 10 of 1,614,216 alleles (0.00062%); highest among the groups gnomAD compares: East Asian, 0.0067%; no homozygotes.

Submission:

Labcorp Genetics (formerly Invitae), Labcorp
Classification: Uncertain significance for Vici syndrome. Last evaluated: 2022-08-16. Review status: criteria provided, single submitter. Criteria: Invitae Variant Classification Sherloc (09022015). Collection method: clinical testing. Allele origin: germline.
Comment: This sequence change replaces arginine, which is basic and polar, with tryptophan, which is neutral and slightly polar, at codon 2289 of the EPG5 protein (p.Arg2289Trp). This variant is present in population databases (rs532561653, gnomAD 0.005%). This variant has not been reported in the literature in individuals affected with EPG5-related conditions. Algorithms developed to predict the effect of missense changes on protein structure and function (SIFT, PolyPhen-2, Align-GVGD) all suggest that this variant is likely to be tolerated. In summary, the available evidence is currently insufficient to determine the role of this variant in disease. Therefore, it has been classified as a Variant of Uncertain Significance.